The following is an entry in ClinVar:

NM_014915.3(ANKRD26):c.1373A>G (p.Tyr458Cys)

Gene: ANKRD26 (ankyrin repeat domain containing 26; minus strand). Cytogenetic location: 10p12.1.
Variant type: single nucleotide variant.
Coding change: c.1373A>G on transcript NM_014915.3 (MANE Select); coding-DNA position 1373, A replaced by G.
Protein change: p.Tyr458Cys; replaces tyrosine 458 with cysteine.
Molecular consequence: missense variant.
Genome position (GRCh38, 1-based): chr10:27,061,233, T>C on the plus strand (A>G on the coding strand, the complement: ANKRD26 is on the minus strand). VCF-style: chr10-27061233-T-C. GRCh37 (hg19) VCF-style: chr10-27350162-T-C.
Other names: c.1373A>G, p.Tyr458Cys (NM_001256053.2); short protein forms Y458C.
Identifiers: ClinVar variation 3870331 (VCV003870331.1).
Genomic context (GRCh38, chr10:27,061,233, plus strand): 5'-CTTGTATCCTCTAGTTTAGCCATCTTAAAGTTTCTTGATCCACTCATGCAAGAAGGTATA[T>C]AAAACACATCTAAGAAATAATACATAATAAGCTTTCAATATTGTAATATTTATCAAAAGG-3'
Protein context (NP_055730.2, residues 448-468): IGNEQAEDVF[Tyr458Cys]IPSCMSGSRN

ClinVar aggregate classification (germline): Uncertain significance (1 of 4 stars; one submission).

Conditions:
Inborn genetic diseases. Identifiers: MedGen C0950123, MeSH D030342.

gnomAD v4.1: 1 of 1,595,256 alleles (0.000063%); highest among the groups gnomAD compares: Non-Finnish European, 0.000086%; no homozygotes.

Submission:

Ambry Genetics
Classification: Uncertain significance for Inborn genetic diseases. Last evaluated: 2025-01-11. Review status: criteria provided, single submitter. Criteria: Ambry Variant Classification Scheme 2023. Collection method: clinical testing. Allele origin: germline.
Comment: The p.Y458C variant (also known as c.1373A>G), located in coding exon 13 of the ANKRD26 gene, results from an A to G substitution at nucleotide position 1373. The tyrosine at codon 458 is replaced by cysteine, an amino acid with highly dissimilar properties. This amino acid position is conserved. In addition, this alteration is predicted to be tolerated by in silico analysis. Based on the available evidence, the clinical significance of this variant remains unclear.